The following is an entry in ClinVar:

ClinVar aggregate classification (germline): Uncertain significance. Review status: criteria provided, multiple submitters, no conflicts (2 of 4 stars). 3 submissions from 3 submitters: Uncertain significance (3). Last evaluated 2025-07-31.

Conditions:
Hereditary cancer. Identifiers: MedGen C1333600.
Fanconi anemia (FA). Also called: Fanconi's anemia. Identifiers: Orphanet 84, MedGen C0015625, MeSH D005199, MONDO:0019391.

Allele frequency attached by ClinVar (database versions not stated): ExAC 0.00002; TOPMed 0.00002.
gnomAD v4.1: 10 of 1,603,374 alleles (0.00062%); highest among the groups gnomAD compares: African/African-American, 0.0013%; no homozygotes.

Submissions (3):

Labcorp Genetics (formerly Invitae), Labcorp
Classification: Uncertain significance for Fanconi anemia. Last evaluated: 2025-07-31. Review status: criteria provided, single submitter. Criteria: Invitae Variant Classification Sherloc (09022015). Collection method: clinical testing. Allele origin: germline.
Comment: This sequence change replaces phenylalanine, which is neutral and non-polar, with valine, which is neutral and non-polar, at codon 685 of the FANCM protein (p.Phe685Val). This variant is present in population databases (rs772645088, gnomAD 0.003%). This variant has not been reported in the literature in individuals affected with FANCM-related conditions. ClinVar contains an entry for this variant (Variation ID: 965006). An algorithm developed to predict the effect of missense changes on protein structure and function (PolyPhen-2) suggests that this variant is likely to be tolerated. In summary, the available evidence is currently insufficient to determine the role of this variant in disease. Therefore, it has been classified as a Variant of Uncertain Significance.

Mendelics
Classification: Uncertain significance for Hereditary cancer. Last evaluated: 2024-08-12. Review status: criteria provided, single submitter. Criteria: ACMG Guidelines, 2015. Collection method: clinical testing. Allele origin: unknown.

GeneDx
Classification: Uncertain significance. Last evaluated: 2022-05-27. Review status: criteria provided, single submitter. Criteria: GeneDx Variant Classification Process June 2021. Collection method: clinical testing. Allele origin: germline. Affected: yes.
Comment: Not observed at significant frequency in large population cohorts (gnomAD); In silico analysis supports that this missense variant has a deleterious effect on protein structure/function; Has not been previously published as pathogenic or benign to our knowledge

NM_020937.4(FANCM):c.2053T>G (p.Phe685Val)

Gene: FANCM (FA complementation group M; plus strand). Cytogenetic location: 14q21.2.
Variant type: single nucleotide variant.
Coding change: c.2053T>G on transcript NM_020937.4 (MANE Select); coding-DNA position 2053, T replaced by G.
Protein change: p.Phe685Val; replaces phenylalanine 685 with valine.
Molecular consequence: missense variant.
Genome position (GRCh38, 1-based): chr14:45,170,639, T>G. VCF-style: chr14-45170639-T-G. GRCh37 (hg19) VCF-style: chr14-45639842-T-G.
Other names: c.1975T>G, p.Phe659Val (NM_001308133.2); short protein forms F685V, F659V.
Identifiers: ClinVar variation 965006 (VCV000965006.10), dbSNP rs772645088, ClinGen allele CA7169230.